The following is an entry in ClinVar:

NM_005120.3(MED12):c.4416-77CTCTT[8]

Gene: MED12 (mediator complex subunit 12; plus strand). Cytogenetic location: Xq13.1.
Variant type: Microsatellite.
Coding change: c.4416-77CTCTT[8] on transcript NM_005120.3 (MANE Select); eight copies in a row of the 5-base unit CTCTT starting at c.4416-77.
Molecular consequence: intron variant.
Genome position: GRCh38 VCF-style: chrX-71132767-CCTCTTCTCTTCTCTTCTCTT-C. GRCh37 (hg19) VCF-style: chrX-70352617-CCTCTTCTCTTCTCTTCTCTT-C.
Identifiers: ClinVar variation 418924 (VCV000418924.3), dbSNP rs56658066, ClinGen allele CA16621488.

ClinVar aggregate classification (germline): Likely benign. Review status: criteria provided, single submitter (1 of 4 stars). 2 submissions from 2 submitters: Likely benign (1). 1 of the submissions does not count toward it. Last evaluated 2018-02-23.

Conditions:
MED12-Related Disorders. Also called: MED12-related disorder; MED12-related condition. Identifiers: MedGen CN381102.

Submissions (2):

GeneDx
Classification: Likely benign. Last evaluated: 2018-02-23. Review status: criteria provided, single submitter. Criteria: GeneDx Variant Classification (06012015). Collection method: clinical testing. Allele origin: germline. Affected: yes.
Comment: This variant is considered likely benign or benign based on one or more of the following criteria: it is a conservative change, it occurs at a poorly conserved position in the protein, it is predicted to be benign by multiple in silico algorithms, and/or has population frequency not consistent with disease.

PreventionGenetics, part of Exact Sciences
Classification: Likely benign for MED12-related condition. Last evaluated: 2021-02-03. Review status: no assertion criteria provided. Collection method: clinical testing. Allele origin: germline. Not counted in ClinVar's aggregate classification.
Comment: This variant is classified as likely benign based on ACMG/AMP sequence variant interpretation guidelines (Richards et al. 2015 PMID: 25741868, with internal and published modifications).